The following is an entry in ClinVar:

NM_153006.3(NAGS):c.313_314dup (p.Asp105fs)

Gene: NAGS (N-acetylglutamate synthase; plus strand). Cytogenetic location: 17q21.31.
Variant type: Duplication.
Coding change: c.313_314dup on transcript NM_153006.3 (MANE Select); coding-DNA positions 313 to 314, 2 bases duplicated (GA; older notation c.313_314dupGA).
Protein change: p.Asp105fs; shifts the reading frame from aspartic acid 105.
Molecular consequence: frameshift variant.
Genome position (GRCh38, 1-based): chr17:44,004,976-44,004,977, GA duplicated. VCF-style (leftmost placement, unchanged base first): chr17-44004975-G-GGA. GRCh37 (hg19) VCF-style: chr17-42082343-G-GGA.
Other names: short protein forms D105fs.
Identifiers: ClinVar variation 4816904 (VCV004816904.1).

ClinVar aggregate classification (germline): Likely pathogenic (1 of 4 stars; one submission).

Conditions:
Hyperammonemia, type III (NAGSD). Also called: Hyperammonemia due to N-acetylglutamate synthase deficiency. Identifiers: Orphanet 927, MedGen C0268543, MONDO:0009377, OMIM 237310.

Submission:

Natera, Inc.
Classification: Likely pathogenic for Hyperammonemia type III. Last evaluated: 2024-08-26. Review status: criteria provided, single submitter. Criteria: Natera Variant Classification Schema (03/2026). Collection method: clinical testing. Allele origin: germline.
Comment: The c.313_314dup variant in NAGS is a frameshift variant predicted to shift the reading frame beginning at codon 105 and leads to a stop codon 7 codons downstream. This variant is expected to result in nonsense mediated decay, truncation, or a dysfunctional protein product. This variant is rare in the general population with a frequency below the threshold expected for the associated phenotype(s). Given the available evidence, this variant is classified as Likely Pathogenic.